The following is an entry in ClinVar:

ClinVar aggregate classification (germline): Pathogenic. Review status: criteria provided, multiple submitters, no conflicts (2 of 4 stars). 5 submissions from 5 submitters: Pathogenic (5). Last evaluated 2026-07-22.

Conditions:
Amyloidosis, hereditary systemic 1 (AMYLD1). Also called: Familial amyloid polyneuropathy; Isolated Cardiac Amyloidosis; Amyloid Cardiomyopathy, Transthyretin-related; Hereditary oculoleptomeningeal amyloid angiopathy; Familial Transthyretin Amyloidosis; Transthyretin Amyloidosis. Identifiers: Orphanet 85447, Orphanet 85451, MedGen C2751492, MONDO:0971004, OMIM 105210.
Cardiovascular phenotype. Identifiers: MedGen CN230736.

Submissions (5):

Ambry Genetics
Classification: Pathogenic for Cardiovascular phenotype. Last evaluated: 2026-07-22. Review status: criteria provided, single submitter. Criteria: Ambry Variant Classification Scheme 2023. Collection method: clinical testing. Allele origin: germline.
Comment: The p.D58A pathogenic mutation (also known as c.173A>C), located in coding exon 2 of the TTR gene, results from an A to C substitution at nucleotide position 173. The aspartic acid at codon 58 is replaced by alanine, an amino acid with dissimilar properties. This variant was reported in individual(s) with features consistent with hereditary transthyretin-related amyloidosis, and has been reported as a common cause of amyloidosis in the Korean population (Tachibana N et al. Amyloid. 1999;6:282-8; Yazaki M et al. Biochem Biophys Res Commun. 2000;274:702-6; Cho HJ et al. J Cardiovasc Ultrasound. 2012;20:209-12; Jang MA et al. Ann Hum Genet. 2015;79:99-107). Note, this variant is also referred to as p.D38A in the literature. This amino acid position is well conserved in available vertebrate species. In addition, this alteration is predicted to be deleterious by in silico analysis. This variant is considered to be rare based on population cohorts in the Genome Aggregation Database (gnomAD). Based on the supporting evidence, this variant is interpreted as a disease-causing mutation.

3billion
Classification: Pathogenic for Amyloidosis, hereditary systemic 1. Last evaluated: 2025-10-17. Review status: criteria provided, single submitter. Criteria: ACMG Guidelines, 2015. Collection method: clinical testing. Allele origin: germline. Affected: yes.
Comment: The variant is not observed in the gnomAD v4.1.0 dataset. Predicted Consequence/Location: Missense variant. Missense changes are a common disease-causing mechanism. In silico tool predictions suggest damaging effect of the variant on gene or gene product [REVEL: 0.65 (>=0.6, sensitivity 0.68 and specificity 0.92); 3Cnet: 0.97 (> 0.75, sensitivity 0.96 and precision 0.92)]. The same nucleotide change resulting in the same amino acid change has been previously reported as pathogenic/likely pathogenic with strong evidence (ClinVar ID: VCV000644083 /PMID: 9627498 /3billion dataset). The variant has been observed in multiple (>3) similarly affected unrelated individuals (PMID: 23346293, 25644864). Different missense changes at the same codon (p.Asp58His, p.Asp58Tyr, p.Asp58Val) have been reported as pathogenic/likely pathogenic with strong evidence (ClinVar ID: VCV000962411, VCV001458932 /PMID: 12050338, 24412190). Therefore, this variant is classified as Pathogenic according to the recommendation of ACMG/AMP guideline.

Labcorp Genetics (formerly Invitae), Labcorp
Classification: Pathogenic for Amyloidosis, hereditary systemic 1. Last evaluated: 2024-07-01. Review status: criteria provided, single submitter. Criteria: Invitae Variant Classification Sherloc (09022015). Collection method: clinical testing. Allele origin: germline.
Comment: This sequence change replaces aspartic acid, which is acidic and polar, with alanine, which is neutral and non-polar, at codon 58 of the TTR protein (p.Asp58Ala). This variant is not present in population databases (gnomAD no frequency). This missense change has been observed in individual(s) with familial transthyretin amyloidosis (PMID: 10611949, 23346293, 25644864). This variant is also known as Asp38Ala. ClinVar contains an entry for this variant (Variation ID: 644083). Advanced modeling of protein sequence and biophysical properties (such as structural, functional, and spatial information, amino acid conservation, physicochemical variation, residue mobility, and thermodynamic stability) performed at Invitae indicates that this missense variant is expected to disrupt TTR protein function with a positive predictive value of 95%. This variant disrupts the p.Asp58 amino acid residue in TTR. Other variant(s) that disrupt this residue have been observed in individuals with TTR-related conditions (PMID: 12050338, 24412190, 25857202), which suggests that this may be a clinically significant amino acid residue. For these reasons, this variant has been classified as Pathogenic.

Athena Diagnostics
Classification: Pathogenic. Last evaluated: 2024-01-15. Review status: criteria provided, single submitter. Criteria: Athena Diagnostics Criteria. Collection method: clinical testing. Allele origin: unknown.
Comment: This variant has been identified in multiple unrelated individuals with autosomal dominant hereditary transthyretin-related amyloidosis. This variant has not been reported in large, multi-ethnic general populations. At least one other missense variant at this codon is considered to be pathogenic or likely pathogenic, suggesting this variant may also cause disease.

ARUP Laboratories, Molecular Genetics and Genomics, ARUP Laboratories
Classification: Pathogenic. Last evaluated: 2022-09-30. Review status: criteria provided, single submitter. Criteria: ARUP Molecular Germline Variant Investigation Process 2021. Collection method: clinical testing. Allele origin: germline.
Comment: The TTR c.173A>C; p.Asp58Ala variant (rs1598844213), also known as Asp38Ala in the mature protein, is reported in the literature in several individuals affected with transthyretin-related amyloidosis (Cho 2012, Choi 2018, Jang 2015, Yazaki 2000), and is suggested to be a founder variant in the Korean population (Choi 2018). This variant is also reported in ClinVar (Variation ID: 644083), but is absent from the Genome Aggregation Database, indicating it is not a common polymorphism. Additionally, other variants at this codon (c.172G>T, p.Asp58Tyr; c.173A>T, p.Asp58Val) have been reported in individuals with transthyretin-related amyloidosis (Fontana 2014, He 2019, Lachmann 2002, Lavigne Moreira 2015, Lipowska 2020). The aspartate at codon 58 is moderately conserved, and computational analyses are uncertain whether this variant is neutral or deleterious (REVEL: 0.654). Based on available information, this variant is considered to be pathogenic. REFERENCES Cho HJ et al. Familial Transthyretin Amyloidosis with Variant Asp38Ala Presenting with Orthostatic Hypotension and Chronic Diarrhea. J Cardiovasc Ultrasound. 2012 Dec;20(4):209-12. PMID: 23346293. Choi K et al. Characteristics of South Korean Patients with Hereditary Transthyretin Amyloidosis. J Clin Neurol. 2018 Oct;14(4):537-541. PMID: 30198232. Fontana M et al. Native T1 mapping in transthyretin amyloidosis. JACC Cardiovasc Imaging. 2014 Feb;7(2):157-65. PMID: 24412190. He S et al. Clinical characteristics and prognosis of Chinese patients with hereditary transthyretin amyloid cardiomyopathy. Orphanet J Rare Dis. 2019 Nov 12;14(1):251. PMID: 31718691. Jang MA et al. Asp58Ala is the predominant mutation of the TTR gene in Korean patients with hereditary transthyretin-related amyloidosis. Ann Hum Genet. 2015 Mar;79(2):99-107. PMID: 25644864. Lachmann HJ et al. Misdiagnosis of hereditary amyloidosis as AL (primary) amyloidosis. N Engl J Med. 2002 Jun 6;346(23):1786-91. PMID: 12050338. Lavigne Moreira et al. Transthyretin Asp38Tyr: a new mutation associated to a late onset neuropathy. J Peripher Nerv Syst. 2015 Mar;20(1):60-2. PMID: 25857202. Lipowska M et al. Transthyretin-related familial amyloid polyneuropathy (ATTR-FAP) in Poland - genetic and clinical presentation. Neurol Neurochir Pol. 2020;54(6):552-560. PMID: 33373035. Yazaki M et al. Cardiac amyloid in patients with familial amyloid polyneuropathy consists of abundant wild-type transthyretin. Biochem Biophys Res Commun. 2000 Aug 11;274(3):702-6. PMID: 10924339.

Literature cited by the submitters: PubMed 10611949 (cited by 3 submitters); PubMed 10611950 (cited by Ambry Genetics); PubMed 10924339 (cited by Ambry Genetics); PubMed 14640030 (cited by Ambry Genetics); PubMed 16399646 (cited by Ambry Genetics); PubMed 23346293 (cited by 4 submitters); PubMed 24412190 (cited by Ambry Genetics and Labcorp Genetics (formerly Invitae), Labcorp); PubMed 25644864 (cited by 4 submitters); PubMed 9627498 (cited by 3 submitters); PubMed 12050338 (cited by 3billion and Labcorp Genetics (formerly Invitae), Labcorp); PubMed 25857202 (cited by Labcorp Genetics (formerly Invitae), Labcorp); PubMed 26017328 (cited by Athena Diagnostics); PubMed 11132096 (cited by Athena Diagnostics); PubMed 30198232 (cited by Athena Diagnostics); PubMed 31343365 (cited by Athena Diagnostics); PubMed 34331265 (cited by Athena Diagnostics); PubMed 25211232 (cited by Athena Diagnostics).

NM_000371.4(TTR):c.173A>C (p.Asp58Ala)

Gene: TTR (transthyretin; plus strand). Cytogenetic location: 18q12.1.
Variant type: single nucleotide variant.
Coding change: c.173A>C on transcript NM_000371.4 (MANE Select); coding-DNA position 173, A replaced by C.
Protein change: p.Asp58Ala; replaces aspartic acid 58 with alanine.
Molecular consequence: missense variant.
Genome position (GRCh38, 1-based): chr18:31,592,999, A>C. VCF-style: chr18-31592999-A-C. GRCh37 (hg19) VCF-style: chr18-29172962-A-C.
Other names: short protein forms D58A.
Identifiers: ClinVar variation 644083 (VCV000644083.21), dbSNP rs1598844213, ClinGen allele CA402156829.